The following is an entry in ClinVar:

ClinVar aggregate classification (germline): not provided (0 of 4 stars; one submission).

Conditions:
Normal pregnancy. Identifiers: MedGen C0232989.

Submission:

Institute of Molecular and Cell Biology, University of Tartu
No classification provided. Condition: Normal pregnancy. Review status: no classification provided. Collection method: case-control. Allele origin: unknown. Affected: yes. Study: Kasak2014.
Comment: The study aimed to determine the contribution of copy number variants in the genetic etiology of normal and complicated pregnancies. The samples represented (i) maternal blood DNA drawn from healthy pregnant women during 1st or 2nd trimester and (ii) maternal and paternal blood DNA drawn at term pregnancy cases representing normal and complicated gestations (severe preeclampsia, PE; gestational diabetes, GD; small-for-gestational age newborn, SGA; large-for-gestational age newborn, LGA). We performed CNV calling based on genome-wide genotyping dataset (Illumina HumanOmniExpress-24-v1 BeadChip) by applying three algorithms, QuantiSNP, GADA (Genome Alteration Detection Algorithm) and CNstream in parallel. The acquired CNV calls were merged with HD-CNV (Hotspot Detector for Copy Number Variants) program and only the CNVs predicted by at least two programs, were considered in subsequent analysis.

Literature cited by the submitters: PubMed 25666259.

NC_000009.12:g.91633777_91636565del

Genes: MIR3910-1 (microRNA 3910-1; plus strand), MIR3910-2 (microRNA 3910-2; minus strand). Cytogenetic location: 9q22.31.
Variant type: Deletion.
Genome position: GRCh38: chr9:91,633,777-91,636,565. GRCh37 (hg19): chr9:94,396,059-94,398,847.
Identifiers: ClinVar variation 157151 (VCV000157151.2), ClinGen allele CA212256.